The following is an entry in ClinVar:

NM_133642.5(LARGE1):c.346G>T (p.Ala116Ser)

Gene: LARGE1 (LARGE xylosyl- and glucuronyltransferase 1; minus strand). Cytogenetic location: 22q12.3.
Variant type: single nucleotide variant.
Coding change: c.346G>T on transcript NM_133642.5 (MANE Select); coding-DNA position 346, G replaced by T.
Protein change: p.Ala116Ser; replaces alanine 116 with serine.
Molecular consequence: missense variant.
Genome position (GRCh38, 1-based): chr22:33,650,429, C>A on the plus strand (G>T on the coding strand, the complement: LARGE1 is on the minus strand). VCF-style: chr22-33650429-C-A. GRCh37 (hg19) VCF-style: chr22-34046415-C-A.
Other names: c.346G>T, p.Ala116Ser (NM_001362949.2, NM_001362951.2, NM_001362953.2 and 7 more transcripts); short protein forms A116S.
Identifiers: ClinVar variation 4686902 (VCV004686902.1).
Genomic context (GRCh38, chr22:33,650,429, plus strand): 5'-CGCATTTCTCCACGACCGGCTGCTGCCCACACTCGGAGCTGTTGCCTGCCACGATGCCAG[C>A]CCGAAGGTTCTCGCTGTCTCCAGTGCCCTCCTCCATGGAGTAGGTCTTGGAGTGGTTGCC-3'
Protein context (NP_598397.1, residues 106-126): EGTGDSENLR[Ala116Ser]GIVAGNSSEC

ClinVar aggregate classification (germline): Uncertain significance (1 of 4 stars; one submission).

gnomAD v4.1: 1 of 1,614,128 alleles (0.000062%); highest among the groups gnomAD compares: Non-Finnish European, 0.000085%; no homozygotes.

Submission:

GeneDx
Classification: Uncertain significance. Last evaluated: 2025-07-21. Review status: criteria provided, single submitter. Criteria: GeneDx Variant Classification Process June 2021. Collection method: clinical testing. Allele origin: germline. Affected: yes.
Comment: Not observed at significant frequency in large population cohorts (gnomAD); In silico analysis suggests that this missense variant does not alter protein structure/function; Has not been previously published as pathogenic or benign to our knowledge